The following is an entry in ClinVar:

NM_000489.6(ATRX):c.134-9C>T

Gene: ATRX (ATRX chromatin remodeler; minus strand). Cytogenetic location: Xq21.1.
Variant type: single nucleotide variant.
Coding change: c.134-9C>T on transcript NM_000489.6 (MANE Select); 9 bases into the intron before coding-DNA position 134, C replaced by T.
Molecular consequence: intron variant.
Genome position (GRCh38, 1-based): chrX:77,698,638, G>A on the plus strand (C>T on the coding strand, the complement: ATRX is on the minus strand). VCF-style: chrX-77698638-G-A. GRCh37 (hg19) VCF-style: chrX-76954126-G-A.
Other names: c.134-9C>T (NM_138270.5).
Identifiers: ClinVar variation 381807 (VCV000381807.10), dbSNP rs782350220, ClinGen allele CA10458372.

ClinVar aggregate classification (germline): Likely benign. Review status: criteria provided, multiple submitters, no conflicts (2 of 4 stars). 2 submissions from 2 submitters: Likely benign (2). Last evaluated 2023-01-17.

Conditions:
Alpha thalassemia-X-linked intellectual disability syndrome (ATRX). Also called: ATR, NONDELETION TYPE; X-linked alpha-thalassemia-mental retardation syndrome; ALPHA-THALASSEMIA/IMPAIRED INTELLECTUAL DEVELOPMENT SYNDROME, X-LINKED; ALPHA-THALASSEMIA/MENTAL RETARDATION SYNDROME, X-LINKED; ATR-X syndrome; Alpha thalassemia mental retardation syndrome, nondeletion type, X-linked. Identifiers: Orphanet 847, MedGen C1845055, MONDO:0010519, OMIM 301040.

Allele frequency attached by ClinVar (database versions not stated): ExAC 0.00001.
gnomAD v4.1: 1 of 1,188,765 alleles (0.000084%); highest among the groups gnomAD compares: African/African-American, 0.0017%; no homozygotes.

Submissions (2):

Labcorp Genetics (formerly Invitae), Labcorp
Classification: Likely benign for Alpha thalassemia-X-linked intellectual disability syndrome. Last evaluated: 2023-01-17. Review status: criteria provided, single submitter. Criteria: Invitae Variant Classification Sherloc (09022015). Collection method: clinical testing. Allele origin: germline.

GeneDx
Classification: Likely benign. Last evaluated: 2015-11-24. Review status: criteria provided, single submitter. Criteria: GeneDx Variant Classification (06012015). Collection method: clinical testing. Allele origin: germline. Affected: yes.
Comment: This variant is considered likely benign or benign based on one or more of the following criteria: it is a conservative change, it occurs at a poorly conserved position in the protein, it is predicted to be benign by multiple in silico algorithms, and/or has population frequency not consistent with disease.